The following is an entry in ClinVar:

ClinVar aggregate classification (germline): Uncertain significance (1 of 4 stars; one submission).

gnomAD v4.1: 1 of 1,614,204 alleles (0.000062%); highest among the groups gnomAD compares: Non-Finnish European, 0.000085%; no homozygotes.

Submission:

Labcorp Genetics (formerly Invitae), Labcorp
Classification: Uncertain significance. Last evaluated: 2024-06-11. Review status: criteria provided, single submitter. Criteria: Invitae Variant Classification Sherloc (09022015). Collection method: clinical testing. Allele origin: germline.
Comment: This sequence change replaces alanine, which is neutral and non-polar, with threonine, which is neutral and polar, at codon 1751 of the ALPK3 protein (p.Ala1751Thr). This variant is present in population databases (no rsID available, gnomAD 0.0009%). This variant has not been reported in the literature in individuals affected with ALPK3-related conditions. An algorithm developed to predict the effect of missense changes on protein structure and function (PolyPhen-2) suggests that this variant is likely to be disruptive. In summary, the available evidence is currently insufficient to determine the role of this variant in disease. Therefore, it has been classified as a Variant of Uncertain Significance.

NM_020778.5(ALPK3):c.4645G>A (p.Ala1549Thr)

Gene: ALPK3 (alpha kinase 3; plus strand). Cytogenetic location: 15q25.3.
Variant type: single nucleotide variant.
Coding change: c.4645G>A on transcript NM_020778.5 (MANE Select); coding-DNA position 4645, G replaced by A.
Protein change: p.Ala1549Thr; replaces alanine 1549 with threonine.
Molecular consequence: missense variant.
Genome position (GRCh38, 1-based): chr15:84,864,587, G>A. VCF-style: chr15-84864587-G-A. GRCh37 (hg19) VCF-style: chr15-85407818-G-A.
Other names: short protein forms A1549T.
Identifiers: ClinVar variation 3679809 (VCV003679809.2).